The following is an entry in ClinVar:

ClinVar aggregate classification (germline): Uncertain significance (1 of 4 stars; one submission).

Allele frequency attached by ClinVar (database versions not stated): gnomAD exomes 0.00001; gnomAD 0.00004; TOPMed 0.00004.
gnomAD v4.1: 27 of 1,522,364 alleles (0.0018%); highest among the groups gnomAD compares: East Asian, 0.016%; no homozygotes.

Submission:

Labcorp Genetics (formerly Invitae), Labcorp
Classification: Uncertain significance. Last evaluated: 2025-06-10. Review status: criteria provided, single submitter. Criteria: Invitae Variant Classification Sherloc (09022015). Collection method: clinical testing. Allele origin: germline.
Comment: This sequence change replaces asparagine, which is neutral and polar, with serine, which is neutral and polar, at codon 494 of the ZSWIM6 protein (p.Asn494Ser). This variant is present in population databases (no rsID available, gnomAD 0.09%), and has an allele count higher than expected for a pathogenic variant. This variant has not been reported in the literature in individuals affected with ZSWIM6-related conditions. ClinVar contains an entry for this variant (Variation ID: 1904558). An algorithm developed to predict the effect of missense changes on protein structure and function (PolyPhen-2) suggests that this variant is likely to be tolerated. In summary, the available evidence is currently insufficient to determine the role of this variant in disease. Therefore, it has been classified as a Variant of Uncertain Significance.

NM_020928.2(ZSWIM6):c.1481A>G (p.Asn494Ser)

Gene: ZSWIM6 (zinc finger SWIM-type containing 6; plus strand). Cytogenetic location: 5q12.1.
Variant type: single nucleotide variant.
Coding change: c.1481A>G on transcript NM_020928.2 (MANE Select); coding-DNA position 1481, A replaced by G.
Protein change: p.Asn494Ser; replaces asparagine 494 with serine.
Molecular consequence: missense variant.
Genome position (GRCh38, 1-based): chr5:61,521,410, A>G. VCF-style: chr5-61521410-A-G. GRCh37 (hg19) VCF-style: chr5-60817237-A-G.
Other names: short protein forms N494S.
Identifiers: ClinVar variation 1904558 (VCV001904558.5), dbSNP rs964621464, ClinGen allele CA119662046.